The following is an entry in ClinVar:

NM_002878.4(RAD51D):c.506del (p.Val169fs)

Genes: RAD51D (RAD51 paralog D; minus strand), RAD51L3-RFFL (RAD51L3-RFFL readthrough; minus strand). Cytogenetic location: 17q12.
Variant type: Deletion.
Coding change: c.506del on transcript NM_002878.4 (MANE Select); coding-DNA position 506, one base deleted (T; older notation c.506delT).
Protein change: p.Val169fs; shifts the reading frame from valine 169.
Molecular consequence: frameshift variant. On other transcripts: non-coding transcript variant (3).
Genome position (GRCh38, 1-based): chr17:35,106,456, A deleted on the plus strand (T on the coding strand, the reverse complement: RAD51D is on the minus strand). VCF-style (leftmost placement, unchanged base first): chr17-35106455-CA-C. GRCh37 (hg19) VCF-style: chr17-33433474-CA-C.
Other names: c.506delT (NM_002878.3); c.566del, p.Val189fs (NM_001142571.2); c.170del, p.Val57fs (NM_133629.3); short protein forms V57fs, V189fs, V169fs.
Identifiers: ClinVar variation 839675 (VCV000839675.8), dbSNP rs2091604825, ClinGen allele CA916081879.

ClinVar aggregate classification (germline): Pathogenic. Review status: criteria provided, multiple submitters, no conflicts (2 of 4 stars). 3 submissions from 3 submitters: Pathogenic (3). Last evaluated 2024-11-02.

Conditions:
Breast-ovarian cancer, familial, susceptibility to, 4. Identifiers: Orphanet 145, MedGen C3280345, MONDO:0013669, OMIM 614291.
Hereditary cancer-predisposing syndrome. Also called: Neoplastic Syndromes, Hereditary; Tumor predisposition; Hereditary neoplastic syndrome; Hereditary Cancer Syndrome. Identifiers: Orphanet 140162, MedGen C0027672, MeSH D009386, MONDO:0015356.

Submissions (3):

Labcorp Genetics (formerly Invitae), Labcorp
Classification: Pathogenic for Breast-ovarian cancer, familial, susceptibility to, 4. Last evaluated: 2024-11-02. Review status: criteria provided, single submitter. Criteria: Invitae Variant Classification Sherloc (09022015). Collection method: clinical testing. Allele origin: germline.
Comment: This sequence change creates a premature translational stop signal (p.Val169Glyfs*25) in the RAD51D gene. It is expected to result in an absent or disrupted protein product. Loss-of-function variants in RAD51D are known to be pathogenic (PMID: 21822267). This variant is not present in population databases (gnomAD no frequency). This variant has not been reported in the literature in individuals affected with RAD51D-related conditions. ClinVar contains an entry for this variant (Variation ID: 839675). For these reasons, this variant has been classified as Pathogenic.

Myriad Genetics, Inc.
Classification: Pathogenic for Breast-ovarian cancer, familial, susceptibility to, 4. Last evaluated: 2024-01-04. Review status: criteria provided, single submitter. Criteria: Myriad Autosomal Dominant, Autosomal Recessive and X-Linked Classification Criteria (2023). Collection method: clinical testing. Allele origin: unknown.
Comment: This variant is considered pathogenic. This variant creates a frameshift predicted to result in premature protein truncation.

Ambry Genetics
Classification: Pathogenic for Hereditary cancer-predisposing syndrome. Last evaluated: 2023-08-17. Review status: criteria provided, single submitter. Criteria: Ambry Variant Classification Scheme 2023. Collection method: clinical testing. Allele origin: germline.
Comment: The c.506delT pathogenic mutation, located in coding exon 6 of the RAD51D gene, results from a deletion of one nucleotide at nucleotide position 506, causing a translational frameshift with a predicted alternate stop codon (p.V169Gfs*25). This variant is considered to be rare based on population cohorts in the Genome Aggregation Database (gnomAD). This alteration is expected to result in loss of function by premature protein truncation or nonsense-mediated mRNA decay. As such, this alteration is interpreted as a disease-causing mutation.

Literature cited by the submitters: PubMed 21822267 (cited by Labcorp Genetics (formerly Invitae), Labcorp).